The following is an entry in ClinVar:

NM_144573.4(NEXN):c.864+294A>G

Gene: NEXN (nexilin F-actin binding protein; plus strand). Cytogenetic location: 1p31.1.
Variant type: single nucleotide variant.
Coding change: c.864+294A>G on transcript NM_144573.4 (MANE Select); 294 bases into the intron after coding-DNA position 864, A replaced by G.
Molecular consequence: intron variant.
Genome position (GRCh38, 1-based): chr1:77,927,186, A>G. VCF-style: chr1-77927186-A-G. GRCh37 (hg19) VCF-style: chr1-78392871-A-G.
Other names: c.672+294A>G (NM_001172309.2).
Identifiers: ClinVar variation 670038 (VCV000670038.1), dbSNP rs115465149, ClinGen allele CA24679358.

ClinVar aggregate classification (germline): Benign (1 of 4 stars; one submission).

Allele frequency attached by ClinVar (database versions not stated): gnomAD 0.04751 and 0.04791; TOPMed 0.04820; 1000 Genomes Project 30x 0.06558; 1000 Genomes Project 0.06669.
gnomAD v4.1: 7,170 of 151,968 alleles (4.7%); highest among the groups gnomAD compares: East Asian, 11%; 229 homozygotes.

Submission:

GeneDx
Classification: Benign. Last evaluated: 2018-06-14. Review status: criteria provided, single submitter. Criteria: GeneDx Variant Classification (06012015). Collection method: clinical testing. Allele origin: germline. Affected: yes.
Comment: This variant is considered likely benign or benign based on one or more of the following criteria: it is a conservative change, it occurs at a poorly conserved position in the protein, it is predicted to be benign by multiple in silico algorithms, and/or has population frequency not consistent with disease.